The following is an entry in ClinVar:

NM_001060.6(TBXA2R):c.8C>T (p.Pro3Leu)

Gene: TBXA2R (thromboxane A2 receptor; minus strand). Cytogenetic location: 19p13.3.
Variant type: single nucleotide variant.
Coding change: c.8C>T on transcript NM_001060.6 (MANE Select); coding-DNA position 8, C replaced by T.
Protein change: p.Pro3Leu; replaces proline 3 with leucine.
Molecular consequence: missense variant.
Genome position (GRCh38, 1-based): chr19:3,600,627, G>A on the plus strand (C>T on the coding strand, the complement: TBXA2R is on the minus strand). VCF-style: chr19-3600627-G-A. GRCh37 (hg19) VCF-style: chr19-3600625-G-A.
Other names: c.8C>T, p.Pro3Leu (NM_201636.3); short protein forms P3L.
Identifiers: ClinVar variation 3000765 (VCV003000765.3), dbSNP rs1319119645, ClinGen allele CA403336362.

ClinVar aggregate classification (germline): Uncertain significance (1 of 4 stars; one submission).

Allele frequency attached by ClinVar (database versions not stated): gnomAD exomes below 0.00001; TOPMed below 0.00001.
gnomAD v4.1: 2 of 1,612,506 alleles (0.00012%); highest among the groups gnomAD compares: Admixed American, 0.0017%; no homozygotes.

Submission:

Labcorp Genetics (formerly Invitae), Labcorp
Classification: Uncertain significance. Last evaluated: 2023-08-25. Review status: criteria provided, single submitter. Criteria: Invitae Variant Classification Sherloc (09022015). Collection method: clinical testing. Allele origin: germline.
Comment: This sequence change replaces proline, which is neutral and non-polar, with leucine, which is neutral and non-polar, at codon 3 of the TBXA2R protein (p.Pro3Leu). This variant is present in population databases (no rsID available, gnomAD 0.003%). This variant has not been reported in the literature in individuals affected with TBXA2R-related conditions. Algorithms developed to predict the effect of missense changes on protein structure and function output the following: SIFT: "Not Available"; PolyPhen-2: "Benign"; Align-GVGD: "Not Available". The leucine amino acid residue is found in multiple mammalian species, which suggests that this missense change does not adversely affect protein function. In summary, the available evidence is currently insufficient to determine the role of this variant in disease. Therefore, it has been classified as a Variant of Uncertain Significance.